The following is an entry in ClinVar:

ClinVar aggregate classification (germline): Pathogenic/Likely pathogenic. Review status: criteria provided, multiple submitters, no conflicts (2 of 4 stars). 5 submissions from 5 submitters: Pathogenic (2); Likely pathogenic (2). 1 of the submissions does not count toward it. Last evaluated 2026-06-25.

Conditions:
TTN-related disorder. Also called: TTN-related condition; TTN-related disease; TTN-related disorders.
Cardiovascular phenotype. Identifiers: MedGen CN230736.
Dilated cardiomyopathy 1G (CMD1G). Identifiers: Orphanet 154, MedGen C1858763, MONDO:0011400, OMIM 604145.
Autosomal recessive limb-girdle muscular dystrophy type 2J (LGMDR10). Also called: MUSCULAR DYSTROPHY, LIMB-GIRDLE, AUTOSOMAL RECESSIVE 10; Limb-girdle muscular dystrophy, type 2J. Identifiers: Orphanet 140922, MedGen C1837342, MONDO:0012127, OMIM 608807.

Submissions (5):

Molecular Diagnostic Laboratory for Inherited Cardiovascular Disease, Montreal Heart Institute
Classification: Pathogenic for Cardiovascular phenotype. Last evaluated: 2026-06-25. Review status: criteria provided, single submitter. Criteria: ACMG Guidelines, 2015. Collection method: clinical testing. Allele origin: germline. Affected: yes.
Comment: PVS1, PS4_supp, PM2

Labcorp Genetics (formerly Invitae), Labcorp
Classification: Likely pathogenic for Dilated cardiomyopathy 1G; Autosomal recessive limb-girdle muscular dystrophy type 2J. Last evaluated: 2026-01-25. Review status: criteria provided, single submitter. Criteria: Invitae Variant Classification Sherloc (09022015). Collection method: clinical testing. Allele origin: germline.
Comment: This sequence change creates a premature translational stop signal (p.Asp17149Ilefs*4) in the TTN gene. While this is not anticipated to result in nonsense mediated decay, it is expected to create a truncated TTN protein. This variant is not present in population databases (gnomAD no frequency). This premature translational stop signal has been observed in individual(s) with dilated cardiomyopathy or left ventricular noncompaction (PMID: 27532257, 28798025, 37652022). This variant is also known as p.P8275fs. ClinVar contains an entry for this variant (Variation ID: 1687148). This variant is located in the A band of TTN (PMID: 25589632). Truncating variants in this region are significantly overrepresented in patients affected with dilated cardiomyopathy (PMID: 25589632). Truncating variants in this region have also been reported in individuals affected with autosomal recessive centronuclear myopathy (PMID: 23975875). In summary, the currently available evidence indicates that the variant is pathogenic, but additional data are needed to prove that conclusively. Therefore, this variant has been classified as Likely Pathogenic.

Ambry Genetics
Classification: Likely pathogenic for Cardiovascular phenotype. Last evaluated: 2023-02-03. Review status: criteria provided, single submitter. Criteria: Ambry Variant Classification Scheme 2023. Collection method: clinical testing. Allele origin: germline.
Comment: The c.24249delT variant, located in coding exon 99 of the TTN gene, results from a deletion of one nucleotide at nucleotide position 24249, causing a translational frameshift with a predicted alternate stop codon (p.D8084Ifs*4). This exon is located in the A-band region of the N2-B isoform of the titin protein and is constitutively expressed in TTN transcripts (percent spliced in or PSI 100%). This alteration (referred to as c.51444del, p.Asp17149Ilefs*4) has been detected in a dilated cardiomyopathy genetic testing cohort; however, detail was limited (Walsh R et al. Genet. Med., 2017 02;19:192-203). This variant is considered to be rare based on population cohorts in the Genome Aggregation Database (gnomAD). This alteration is expected to result in loss of function by premature protein truncation or nonsense-mediated mRNA decay. While truncating variants in TTN are present in 1-3% of the general population, truncating variants in the A-band are the most common cause of dilated cardiomyopathy (DCM) (Herman DS et al. N. Engl. J. Med., 2012 Feb;366:619-28; Roberts AM et al. Sci Transl Med, 2015 Jan;7:270ra6). TTN truncating variants encoded in constitutive exons (PSI >90%) have been found to be significantly associated with DCM regardless of their position in titin (Schafer S et al. Nat. Genet., 2017 01;49:46-53). As such, this alteration is classified as likely pathogenic.

Blueprint Genetics
Classification: Pathogenic for TTN-related disorders. Last evaluated: 2022-12-14. Review status: criteria provided, single submitter. Criteria: ACMG Guidelines, 2015. Collection method: clinical testing. Allele origin: germline. Affected: yes. Observed: 2 variant alleles.

Rajaie Cardiovascular, Medical and Research Center, Iran University of Medical Sciences
Classification: Likely pathogenic for Dilated cardiomyopathy 1G. Review status: no assertion criteria provided. Collection method: research. Allele origin: somatic. Inheritance: Autosomal dominant inheritance. Affected: yes. Observed: 1 heterozygote. Not counted in ClinVar's aggregate classification.

Literature cited by the submitters: PubMed 27532257 (cited by Labcorp Genetics (formerly Invitae), Labcorp and Ambry Genetics); PubMed 28798025 (cited by Labcorp Genetics (formerly Invitae), Labcorp); PubMed 37652022 (cited by Labcorp Genetics (formerly Invitae), Labcorp); PubMed 25589632 (cited by Labcorp Genetics (formerly Invitae), Labcorp); PubMed 23975875 (cited by Labcorp Genetics (formerly Invitae), Labcorp).

NM_001267550.2(TTN):c.51444del (p.Asp17149fs)

Genes: TTN-AS1 (TTN antisense RNA 1; plus strand), TTN (titin; minus strand). Cytogenetic location: 2q31.2.
Variant type: Deletion.
Coding change: c.51444del on transcript NM_001267550.2 (MANE Select); coding-DNA position 51444, one base deleted (T; older notation c.51444delT).
Protein change: p.Asp17149fs; shifts the reading frame from aspartic acid 17149.
Molecular consequence: frameshift variant.
Genome position (GRCh38, 1-based): chr2:178,609,979, A deleted on the plus strand (T on the coding strand, the reverse complement: TTN is on the minus strand). VCF-style (leftmost placement, unchanged base first): chr2-178609978-CA-C. GRCh37 (hg19) VCF-style: chr2-179474705-CA-C.
Other names: c.46521del, p.Asp15508fs (NM_001256850.1); c.24249del, p.Asp8084fs (NM_003319.4); c.43740del, p.Asp14581fs (NM_133378.4); c.24624del, p.Asp8209fs (NM_133432.3); c.24825del, p.Asp8276fs (NM_133437.4); c.24249delT (NM_003319.4); short protein forms D14581fs, D15508fs, D17149fs, D8084fs, D8209fs, D8276fs.
Identifiers: ClinVar variation 1687148 (VCV001687148.12), dbSNP rs1362409861, ClinGen allele CA761290905.